The following is an entry in ClinVar:

NM_198525.3(KIF7):c.2944G>T (p.Glu982Ter)

Gene: KIF7 (kinesin family member 7; minus strand). Cytogenetic location: 15q26.1.
Variant type: single nucleotide variant.
Coding change: c.2944G>T on transcript NM_198525.3 (MANE Select); coding-DNA position 2944, G replaced by T.
Protein change: p.Glu982Ter; replaces glutamic acid 982 with a stop codon.
Molecular consequence: nonsense.
Genome position (GRCh38, 1-based): chr15:89,631,662, C>A on the plus strand (G>T on the coding strand, the complement: KIF7 is on the minus strand). VCF-style: chr15-89631662-C-A. GRCh37 (hg19) VCF-style: chr15-90174893-C-A.
Other names: short protein forms E982*.
Identifiers: ClinVar variation 208593 (VCV000208593.7), dbSNP rs797045093, ClinGen allele CA276009.

ClinVar aggregate classification (germline): Pathogenic/Likely pathogenic. Review status: criteria provided, multiple submitters, no conflicts (2 of 4 stars). 5 submissions from 5 submitters: Pathogenic (3); Likely pathogenic (1). 1 of the submissions does not count toward it. Last evaluated 2025-10-12.

Conditions:
KIF7-related disorder. Also called: KIF7-related condition.
Acrocallosal syndrome (ACLS). Also called: Schinzel syndrome 1; Absence of corpus callosum with unusual facial appearance, mental deficiency, duplication of the halluces and polydactyly; HALLUX DUPLICATION, POSTAXIAL POLYDACTYLY, AND ABSENCE OF CORPUS CALLOSUM. Identifiers: Orphanet 36, MedGen C0796147, MONDO:0008708, OMIM 200990.

Allele frequency attached by ClinVar (database versions not stated): gnomAD 0.00001; gnomAD exomes 0.00001; TOPMed 0.00001.
gnomAD v4.1: 22 of 1,559,818 alleles (0.0014%); highest among the groups gnomAD compares: Non-Finnish European, 0.0016%; no homozygotes.

Submissions (5):

Labcorp Genetics (formerly Invitae), Labcorp
Classification: Pathogenic for Acrocallosal syndrome. Last evaluated: 2025-10-12. Review status: criteria provided, single submitter. Criteria: Invitae Variant Classification Sherloc (09022015). Collection method: clinical testing. Allele origin: germline.
Comment: This sequence change creates a premature translational stop signal (p.Glu982*) in the KIF7 gene. It is expected to result in an absent or disrupted protein product. Loss-of-function variants in KIF7 are known to be pathogenic (PMID: 19666503, 21552264, 21633164, 26648833). The frequency data for this variant in the population databases is considered unreliable, as metrics indicate poor data quality at this position in the gnomAD database. This premature translational stop signal has been observed in individual(s) with clinical features of KIF7-related conditions (PMID: 26092869). ClinVar contains an entry for this variant (Variation ID: 208593). For these reasons, this variant has been classified as Pathogenic.

Blueprint Genetics
Classification: Likely pathogenic for KIF7-related disorders. Last evaluated: 2023-05-02. Review status: criteria provided, single submitter. Criteria: ACMG Guidelines, 2015. Collection method: clinical testing. Allele origin: germline. Affected: yes. Observed: 5 variant alleles.

UW Hindbrain Malformation Research Program, University of Washington
Classification: Pathogenic for Acrocallosal syndrome. Last evaluated: 2015-02-23. Review status: criteria provided, single submitter. Criteria: Bachmann-Gagescu et al. (J Med Genet. 2015). Collection method: research. Allele origin: unknown. Affected: yes.

Laboratory for Molecular Medicine, Mass General Brigham Personalized Medicine
Classification: Pathogenic for Acrocallosal syndrome, Schinzel type. Last evaluated: 2014-11-25. Review status: criteria provided, single submitter. Criteria: LMM Criteria. Collection method: clinical testing. Allele origin: germline. Inheritance: Autosomal recessive inheritance. Observed: 1 variant allele. Study: CSER-MedSeq.
Comment: The p.Glu982X variant in KIF7 has not been previously reported in individuals with disease and data from large population studies is insufficient to assess the frequency of this variant. This nonsense variant leads to a premature termination codon at position 982 which is predicted to lead to a truncated or absent protein. Loss of function variants in KIF7 have been shown to cause Acrocallosal syndrome. In summary, this variant meets our criteria to be classified as pathogenic for Acrocallosal syndrome in an autosomal recessive manner.

PreventionGenetics, part of Exact Sciences
Classification: Pathogenic for KIF7-related condition. Last evaluated: 2024-09-01. Review status: no assertion criteria provided. Collection method: clinical testing. Allele origin: germline. Not counted in ClinVar's aggregate classification.
Comment: The KIF7 c.2944G>T variant is predicted to result in premature protein termination (p.Glu982*). This variant was reported in the compound heterozygous state in an individual with Joubert syndrome (Table S5, Bachmann-Gagescu et al. 2015. PubMed ID: 26092869). This variant is reported in 0.0024% of alleles in individuals of European (Non-Finnish) descent in gnomAD. Nonsense variants in KIF7 are expected to be pathogenic. This variant is interpreted as pathogenic.

Literature cited by the submitters: PubMed 19666503 (cited by Labcorp Genetics (formerly Invitae), Labcorp); PubMed 21552264 (cited by Labcorp Genetics (formerly Invitae), Labcorp); PubMed 21633164 (cited by Labcorp Genetics (formerly Invitae), Labcorp); PubMed 26648833 (cited by Labcorp Genetics (formerly Invitae), Labcorp); PubMed 26092869 (cited by Labcorp Genetics (formerly Invitae), Labcorp).